The following is an entry in ClinVar:

ClinVar aggregate classification (germline): Benign/Likely benign. Review status: criteria provided, multiple submitters, no conflicts (2 of 4 stars). 7 submissions from 6 submitters: Benign (5); Likely benign (2). Last evaluated 2026-02-01.

Conditions:
Syndactyly. Also called: Webbed fingers or toes. Identifiers: MedGen C0039075, MONDO:0021002, HP:0001159.
Spondylocostal dysostosis 1, autosomal recessive (SCDO1). Also called: DLL3-Related Spondylocostal Dysostosis, Autosomal Recessive. Identifiers: Orphanet 2311, MedGen CN032975, MONDO:0020692, OMIM 277300.

Allele frequency attached by ClinVar (database versions not stated): ESP Exome Variant Server 0.00173; TOPMed 0.00230; 1000 Genomes Project 30x 0.00265; 1000 Genomes Project 0.00280; gnomAD exomes 0.00538 and 0.00749; gnomAD 0.00638 and 0.00662; ExAC 0.01041.

Submissions (7):

Labcorp Genetics (formerly Invitae), Labcorp
Classification: Benign. Last evaluated: 2026-02-01. Review status: criteria provided, single submitter. Criteria: Invitae Variant Classification Sherloc (09022015). Collection method: clinical testing. Allele origin: germline.

CeGaT Center for Human Genetics Tuebingen
Classification: Likely benign. Last evaluated: 2022-06-01. Review status: criteria provided, single submitter. Criteria: CeGaT Center For Human Genetics Tuebingen Variant Classification Criteria Version 2. Collection method: clinical testing. Allele origin: germline. Affected: yes. Observed: 2 variant alleles.
Comment: DLL3: BS2

ARUP Laboratories, Molecular Genetics and Genomics, ARUP Laboratories
Classification: Benign for Spondylocostal dysostosis 1, autosomal recessive. Last evaluated: 2022-04-05. Review status: criteria provided, single submitter. Criteria: ARUP Molecular Germline Variant Investigation Process 2021. Collection method: clinical testing. Allele origin: germline.

GeneDx
Classification: Benign. Last evaluated: 2018-07-23. Review status: criteria provided, single submitter. Criteria: GeneDx Variant Classification Process June 2021. Collection method: clinical testing. Allele origin: germline. Affected: yes.

Illumina Laboratory Services, Illumina
Classification: Benign for Spondylocostal dysostosis 1, autosomal recessive. Last evaluated: 2018-01-13. Review status: criteria provided, single submitter. Criteria: ICSL Variant Classification Criteria 13 December 2019. Collection method: clinical testing. Allele origin: germline.
Comment: This variant was observed in the ICSL laboratory as part of a predisposition screen in an ostensibly healthy population. It had not been previously curated by ICSL or reported in the Human Gene Mutation Database (HGMD: prior to June 1st, 2018), and was therefore a candidate for classification through an automated scoring system. Utilizing variant allele frequency, disease prevalence and penetrance estimates, and inheritance mode, an automated score was calculated to assess if this variant is too frequent to cause the disease. Based on the score and internal cut-off values, a variant classified as benign is not then subjected to further curation. The score for this variant resulted in a classification of benign for this disease.

Illumina Laboratory Services, Illumina
Classification: Benign for Non-syndromic syndactyly. Last evaluated: 2018-01-13. Review status: criteria provided, single submitter. Criteria: ICSL Variant Classification Criteria 13 December 2019. Collection method: clinical testing. Allele origin: germline.
Comment: the same text as in the submission from Illumina Laboratory Services, Illumina above.

PreventionGenetics, part of Exact Sciences
Classification: Likely benign. Review status: criteria provided, single submitter. Criteria: ACMG Guidelines, 2015. Collection method: clinical testing. Allele origin: germline.

NM_203486.3(DLL3):c.1562C>T (p.Ser521Phe)

Genes: DLL3 (delta like canonical Notch ligand 3; plus strand), LOC130064419 (ATAC-STARR-seq lymphoblastoid silent region 10610; plus strand). Cytogenetic location: 19q13.2.
Variant type: single nucleotide variant.
Coding change: c.1562C>T on transcript NM_203486.3 (MANE Select); coding-DNA position 1562, C replaced by T.
Protein change: p.Ser521Phe; replaces serine 521 with phenylalanine.
Molecular consequence: missense variant.
Genome position (GRCh38, 1-based): chr19:39,507,507, C>T. VCF-style: chr19-39507507-C-T. GRCh37 (hg19) VCF-style: chr19-39998147-C-T.
Other names: c.1562C>T, p.Ser521Phe (NM_016941.4); short protein forms S521F.
Identifiers: ClinVar variation 260776 (VCV000260776.60), dbSNP rs191149379, ClinGen allele CA9432474.
Genomic context (GRCh38, chr19:39,507,507, plus strand): 5'-TGGCCGCGGGCGTGGCCGGCGCTGCGCTCTTGCTGGTCCACGTGCGCCGCCGTGGCCACT[C>T]CCAGGATGCTGGGTCTCGCTTGCTGGCTGGGACCCCGGAGCCGTCAGTCCACGCACTCCC-3'
Protein context (NP_982353.1, residues 511-531): LLVHVRRRGH[Ser521Phe]QDAGSRLLAG